The following is an entry in ClinVar:

NM_001378454.1(ALMS1):c.6190G>A (p.Asp2064Asn)

Gene: ALMS1 (ALMS1 centrosome and basal body associated protein; plus strand). Cytogenetic location: 2p13.1.
Variant type: single nucleotide variant.
Coding change: c.6190G>A on transcript NM_001378454.1 (MANE Select); coding-DNA position 6190, G replaced by A.
Protein change: p.Asp2064Asn; replaces aspartic acid 2064 with asparagine.
Molecular consequence: missense variant.
Genome position (GRCh38, 1-based): chr2:73,452,717, G>A. VCF-style: chr2-73452717-G-A. GRCh37 (hg19) VCF-style: chr2-73679844-G-A.
Other names: c.6193G>A, p.Asp2065Asn (NM_015120.4); short protein forms D2064N, D2065N.
Identifiers: ClinVar variation 1377110 (VCV001377110.5), dbSNP rs183773481, ClinGen allele CA1714025.
Genomic context (GRCh38, chr2:73,452,717, plus strand): 5'-TTTCATAGTTCCTATTCTCAAACAGTAAAGCCCAATATTTTATTTCAACAGCAGTTGCCA[G>A]ATAGAGATCAAAGTAAAGGTATTCTAAAGATTTCAGCTGTCCCTGAACTAACTGATGTGA-3'
Protein context (NP_001365383.1, residues 2054-2074): PNILFQQQLP[Asp2064Asn]RDQSKGILKI

ClinVar aggregate classification (germline): Uncertain significance. Review status: criteria provided, multiple submitters, no conflicts (2 of 4 stars). 3 submissions from 3 submitters: Uncertain significance (3). Last evaluated 2022-10-24.

Conditions:
Cardiovascular phenotype. Identifiers: MedGen CN230736.
Alstrom syndrome (ALMS). Identifiers: Orphanet 64, MedGen C0268425, MONDO:0008763, OMIM 203800.

Allele frequency attached by ClinVar (database versions not stated): gnomAD exomes below 0.00001 and 0.00001; ExAC 0.00001; gnomAD 0.00001 and 0.00002; TOPMed 0.00003; 1000 Genomes Project 0.00020; 1000 Genomes Project 30x 0.00031.
gnomAD v4.1: 8 of 1,613,698 alleles (0.0005%); highest among the groups gnomAD compares: Admixed American, 0.01%; no homozygotes.

Submissions (3):

GeneDx
Classification: Uncertain significance. Last evaluated: 2022-10-24. Review status: criteria provided, single submitter. Criteria: GeneDx Variant Classification Process June 2021. Collection method: clinical testing. Allele origin: germline. Affected: yes.
Comment: Not observed at significant frequency in large population cohorts (gnomAD); In silico analysis supports that this missense variant has a deleterious effect on protein structure/function; Has not been previously published as pathogenic or benign to our knowledge

Labcorp Genetics (formerly Invitae), Labcorp
Classification: Uncertain significance for Alstrom syndrome. Last evaluated: 2022-10-13. Review status: criteria provided, single submitter. Criteria: Invitae Variant Classification Sherloc (09022015). Collection method: clinical testing. Allele origin: germline.
Comment: This sequence change replaces aspartic acid, which is acidic and polar, with asparagine, which is neutral and polar, at codon 2065 of the ALMS1 protein (p.Asp2065Asn). This variant is present in population databases (rs183773481, gnomAD no frequency). This variant has not been reported in the literature in individuals affected with ALMS1-related conditions. ClinVar contains an entry for this variant (Variation ID: 1377110). Experimental studies and prediction algorithms are not available or were not evaluated, and the functional significance of this variant is currently unknown. In summary, the available evidence is currently insufficient to determine the role of this variant in disease. Therefore, it has been classified as a Variant of Uncertain Significance.

Ambry Genetics
Classification: Uncertain significance for Cardiovascular phenotype. Last evaluated: 2019-08-06. Review status: criteria provided, single submitter. Criteria: Ambry Variant Classification Scheme 2023. Collection method: clinical testing. Allele origin: germline.
Comment: The p.D2065N variant (also known as c.6193G>A), located in coding exon 8 of the ALMS1 gene, results from a G to A substitution at nucleotide position 6193. The aspartic acid at codon 2065 is replaced by asparagine, an amino acid with highly similar properties. This amino acid position is poorly conserved in available vertebrate species. In addition, this alteration is predicted to be tolerated by in silico analysis. Since supporting evidence is limited at this time, the clinical significance of this alteration remains unclear.